The following is an entry in ClinVar:

ClinVar aggregate classification (germline): Benign. Review status: criteria provided, multiple submitters, no conflicts (2 of 4 stars). 2 submissions from 2 submitters: Benign (2). Last evaluated 2018-06-14.

Allele frequency attached by ClinVar (database versions not stated): gnomAD exomes 0.05423; gnomAD 0.20082 and 0.20538; TOPMed 0.22593; 1000 Genomes Project 0.31749; 1000 Genomes Project 30x 0.31964.
gnomAD v4.1: 66,551 of 796,194 alleles (8.4%); highest among the groups gnomAD compares: African/African-American, 58%; 14,047 homozygotes.

Submissions (2):

GeneDx
Classification: Benign. Last evaluated: 2018-06-14. Review status: criteria provided, single submitter. Criteria: GeneDx Variant Classification (06012015). Collection method: clinical testing. Allele origin: germline. Affected: yes.
Comment: This variant is considered likely benign or benign based on one or more of the following criteria: it is a conservative change, it occurs at a poorly conserved position in the protein, it is predicted to be benign by multiple in silico algorithms, and/or has population frequency not consistent with disease.

Breakthrough Genomics
Classification: Benign. Review status: criteria provided, single submitter. Criteria: ACMG Guidelines, 2015. Collection method: not provided. Allele origin: germline. Inheritance: Autosomal recessive inheritance. Affected: yes.

NM_001098.3(ACO2):c.2086+227T>C

Genes: ACO2 (aconitase 2; plus strand), POLR3H (RNA polymerase III subunit H; minus strand). Cytogenetic location: 22q13.2.
Variant type: single nucleotide variant.
Coding change: c.2086+227T>C on transcript NM_001098.3 (MANE Select); 227 bases into the intron after coding-DNA position 2086, T replaced by C.
Molecular consequence: intron variant. On other transcripts: 3 prime UTR variant (5).
Genome position (GRCh38, 1-based): chr22:41,527,647, T>C. VCF-style: chr22-41527647-T-C. GRCh37 (hg19) VCF-style: chr22-41923651-T-C.
Other names: c.*1636A>G (NM_001018050.4, NM_001018052.4, NM_001282884.2 and 2 more transcripts).
Identifiers: ClinVar variation 677926 (VCV000677926.3), dbSNP rs203316, ClinGen allele CA14976818.